The following is an entry in ClinVar:

ClinVar aggregate classification (germline): Uncertain significance (1 of 4 stars; one submission).

Submission:

Labcorp Genetics (formerly Invitae), Labcorp
Classification: Uncertain significance. Last evaluated: 2024-01-29. Review status: criteria provided, single submitter. Criteria: Invitae Variant Classification Sherloc (09022015). Collection method: clinical testing. Allele origin: germline.
Comment: This sequence change creates a premature translational stop signal (p.Gln508Profs*24) in the PAX1 gene. While this is not anticipated to result in nonsense mediated decay, it is expected to disrupt the last 27 amino acid(s) of the PAX1 protein. This variant is not present in population databases (gnomAD no frequency). This variant has not been reported in the literature in individuals affected with PAX1-related conditions. Experimental studies and prediction algorithms are not available or were not evaluated, and the functional significance of this variant is currently unknown. In summary, the available evidence is currently insufficient to determine the role of this variant in disease. Therefore, it has been classified as a Variant of Uncertain Significance.

NM_001257096.2(PAX1):c.*158dup

Gene: PAX1 (paired box 1; plus strand). Cytogenetic location: 20p11.22.
Variant type: Duplication.
Coding change: c.*158dup on transcript NM_001257096.2 (MANE Select); 158 bases downstream of the stop codon, one base duplicated (C; older notation c.*158dupC).
Molecular consequence: 3 prime UTR variant. On other transcripts: frameshift variant (1).
Genome position (GRCh38, 1-based): chr20:21,714,720, C duplicated; the last of 5 consecutive C bases (chr20:21,714,716-21,714,720); duplicating any one gives the same sequence. VCF-style (leftmost placement, unchanged base first): chr20-21714715-G-GC. GRCh37 (hg19) VCF-style: chr20-21695353-G-GC.
Other names: c.1522dup, p.Gln508fs (NM_006192.5); short protein forms Q508fs.
Identifiers: ClinVar variation 3650532 (VCV003650532.2).
Genomic context (GRCh38, chr20:21,714,715, plus strand): 5'-GGATCGGAGGACTCGCGGAGGAGGAAGCCAGTGCCGGCCCGCGGGGTGCACGCCCAGCCA[G>GC]CCCCCAGGCCCAGCCCTGCCTCTGGCCGGACCCACCACACTTCCTTTATTGGTCTGGGTT-3'